The following is an entry in ClinVar:

ClinVar aggregate classification (germline): Uncertain significance. Review status: criteria provided, multiple submitters, no conflicts (2 of 4 stars). 2 submissions from 2 submitters: Uncertain significance (2). Last evaluated 2025-04-07.

Conditions:
Inborn genetic diseases. Identifiers: MedGen C0950123, MeSH D030342.
Pulmonary fibrosis and/or bone marrow failure, Telomere-related, 3. Also called: PULMONARY FIBROSIS AND/OR BONE MARROW FAILURE SYNDROME, TELOMERE-RELATED, 3. Identifiers: Orphanet 2032, MedGen C4225346, MONDO:0014613, OMIM 616373.
Dyskeratosis congenita, autosomal recessive 5 (DKCB5). Identifiers: MedGen C3554656, MONDO:0014076, OMIM 615190.

Allele frequency attached by ClinVar (database versions not stated): gnomAD 0.00001; gnomAD exomes 0.00001; TOPMed 0.00001.
gnomAD v4.1: 9 of 1,604,252 alleles (0.00056%); highest among the groups gnomAD compares: East Asian, 0.0022%; no homozygotes.

Submissions (2):

Labcorp Genetics (formerly Invitae), Labcorp
Classification: Uncertain significance for Dyskeratosis congenita, autosomal recessive 5; Pulmonary fibrosis and/or bone marrow failure, Telomere-related, 3. Last evaluated: 2025-04-07. Review status: criteria provided, single submitter. Criteria: Invitae Variant Classification Sherloc (09022015). Collection method: clinical testing. Allele origin: germline.
Comment: This sequence change replaces arginine, which is basic and polar, with histidine, which is basic and polar, at codon 473 of the RTEL1 protein (p.Arg473His). The frequency data for this variant in the population databases is considered unreliable, as metrics indicate poor data quality at this position in the gnomAD database. This variant has not been reported in the literature in individuals affected with RTEL1-related conditions. ClinVar contains an entry for this variant (Variation ID: 2148991). An algorithm developed to predict the effect of missense changes on protein structure and function outputs the following: PolyPhen-2: "Benign". The histidine amino acid residue is found in multiple mammalian species, which suggests that this missense change does not adversely affect protein function. In summary, the available evidence is currently insufficient to determine the role of this variant in disease. Therefore, it has been classified as a Variant of Uncertain Significance.

Ambry Genetics
Classification: Uncertain significance for Inborn genetic diseases. Last evaluated: 2024-12-02. Review status: criteria provided, single submitter. Criteria: Ambry Variant Classification Scheme 2023. Collection method: clinical testing. Allele origin: germline.
Comment: The p.R473H variant (also known as c.1418G>A), located in coding exon 16 of the RTEL1 gene, results from a G to A substitution at nucleotide position 1418. The arginine at codon 473 is replaced by histidine, an amino acid with highly similar properties. This amino acid position is conserved. In addition, the in silico prediction for this alteration is inconclusive. Based on the available evidence, the clinical significance of this variant remains unclear.

NM_001283009.2(RTEL1):c.1418G>A (p.Arg473His)

Genes: RTEL1 (regulator of telomere elongation helicase 1; plus strand), RTEL1-TNFRSF6B (RTEL1-TNFRSF6B readthrough (NMD candidate); plus strand). Cytogenetic location: 20q13.33.
Variant type: single nucleotide variant.
Coding change: c.1418G>A on transcript NM_001283009.2 (MANE Select); coding-DNA position 1418, G replaced by A.
Protein change: p.Arg473His; replaces arginine 473 with histidine.
Molecular consequence: missense variant. On other transcripts: non-coding transcript variant (1).
Genome position (GRCh38, 1-based): chr20:63,687,707, G>A. VCF-style: chr20-63687707-G-A. GRCh37 (hg19) VCF-style: chr20-62319060-G-A.
Other names: c.749G>A, p.Arg250His (NM_001283010.1); c.1418G>A, p.Arg473His (NM_016434.4); c.1490G>A, p.Arg497His (NM_032957.5); short protein forms R473H, R250H, R497H.
Identifiers: ClinVar variation 2148991 (VCV002148991.4), dbSNP rs1472407817, ClinGen allele CA409676293.